The following is an entry in ClinVar:

ClinVar aggregate classification (germline): Uncertain significance (0 of 4 stars; one submission).

Conditions:
BDNF-related disorder. Also called: BDNF-related condition.

Submission:

PreventionGenetics, part of Exact Sciences
Classification: Uncertain significance for BDNF-related condition. Last evaluated: 2024-03-13. Review status: no assertion criteria provided. Collection method: clinical testing. Allele origin: germline.
Comment: The BDNF c.793G>A variant is predicted to result in the amino acid substitution p.Glu265Lys. To our knowledge, this variant has not been reported in the literature or in a large population database, indicating this variant is rare. At this time, the clinical significance of this variant is uncertain due to the absence of conclusive functional and genetic evidence.

NM_001709.5(BDNF):c.547G>A (p.Glu183Lys)

Genes: BDNF (brain derived neurotrophic factor; minus strand), BDNF-AS (BDNF antisense RNA; plus strand). Cytogenetic location: 11p14.1.
Variant type: single nucleotide variant.
Coding change: c.547G>A on transcript NM_001709.5 (MANE Select); coding-DNA position 547, G replaced by A.
Protein change: p.Glu183Lys; replaces glutamic acid 183 with lysine.
Molecular consequence: missense variant.
Genome position (GRCh38, 1-based): chr11:27,658,018, C>T on the plus strand (G>A on the coding strand, the complement: BDNF is on the minus strand). VCF-style: chr11-27658018-C-T. GRCh37 (hg19) VCF-style: chr11-27679565-C-T.
Other names: c.547G>A, p.Glu183Lys (NM_001143808.2, NM_001143811.2, NM_001143812.2 and 9 more transcripts); c.634G>A, p.Glu212Lys (NM_001143809.2); c.793G>A, p.Glu265Lys (NM_001143810.2); c.571G>A, p.Glu191Lys (NM_170731.5); c.592G>A, p.Glu198Lys (NM_170734.4); short protein forms E183K, E191K, E198K, E212K, E265K.
Identifiers: ClinVar variation 3350823 (VCV003350823.1).